The following is an entry in ClinVar:

ClinVar aggregate classification (germline): Benign (1 of 4 stars; one submission).

Allele frequency attached by ClinVar (database versions not stated): 1000 Genomes Project 30x 0.00297; 1000 Genomes Project 0.00319; gnomAD 0.00338; TOPMed 0.00380; ESP Exome Variant Server 0.00384.
gnomAD v4.1: 989 of 1,613,814 alleles (0.061%); highest among the groups gnomAD compares: African/African-American, 1.2%; 9 homozygotes.

Submission:

GeneDx
Classification: Benign. Last evaluated: 2013-10-15. Review status: criteria provided, single submitter. Criteria: GeneDx Variant Classification (06012015). Collection method: clinical testing. Allele origin: germline. Affected: yes.
Comment: This variant is considered likely benign or benign based on one or more of the following criteria: it is a conservative change, it occurs at a poorly conserved position in the protein, it is predicted to be benign by multiple in silico algorithms, and/or has population frequency not consistent with disease.

NM_006859.4(LIAS):c.-32A>T

Genes: LIAS (lipoic acid synthetase; plus strand), LOC112939935 (Sharpr-MPRA regulatory region 11886; plus strand). Cytogenetic location: 4p14.
Variant type: single nucleotide variant.
Coding change: c.-32A>T on transcript NM_006859.4 (MANE Select); 32 bases upstream of the start codon, A replaced by T.
Molecular consequence: 5 prime UTR variant.
Genome position (GRCh38, 1-based): chr4:39,459,086, A>T. VCF-style: chr4-39459086-A-T. GRCh37 (hg19) VCF-style: chr4-39460706-A-T.
Other names: c.-32A>T (NM_001278590.2, NM_001278591.2, NM_001278592.2 and 2 more transcripts).
Identifiers: ClinVar variation 138121 (VCV000138121.1), dbSNP rs78325971, ClinGen allele CA291935.
Genomic context (GRCh38, chr4:39,459,086, plus strand): 5'-TTGTCATAAATGGAGCGACGTAATTTCGACCTGTCCTTTCCCGGGAGTTAGCGATCCCTC[A>T]ACCCCTGCACTGCGCTAGTCCTAAAGAGGAAATGTCTCTACGCTGCGGGGATGCAGCCCG-3'